The following is an entry in ClinVar:

NM_001037.5(SCN1B):c.67del (p.Glu23fs)

Gene: SCN1B (sodium voltage-gated channel beta subunit 1; plus strand). Cytogenetic location: 19q13.11.
Variant type: Deletion.
Coding change: c.67del on transcript NM_001037.5 (MANE Select); coding-DNA position 67, one base deleted (G; older notation c.67delG).
Protein change: p.Glu23fs; shifts the reading frame from glutamic acid 23.
Molecular consequence: frameshift variant. On other transcripts: 5 prime UTR variant (1).
Genome position (GRCh38, 1-based): chr19:35,032,554, G deleted; the last of 2 consecutive G bases (chr19:35,032,553-35,032,554); deleting either gives the same sequence. VCF-style (leftmost placement, unchanged base first): chr19-35032552-TG-T. GRCh37 (hg19) VCF-style: chr19-35523456-TG-T.
Other names: c.-33del (NM_001321605.2); c.67del, p.Glu23fs (NM_199037.5); short protein forms E23fs.
Identifiers: ClinVar variation 403416 (VCV000403416.4), dbSNP rs1060499898, ClinGen allele CA16609784.

ClinVar aggregate classification (germline): Uncertain significance (1 of 4 stars; one submission).

Submission:

Laboratory for Molecular Medicine, Mass General Brigham Personalized Medicine
Classification: Uncertain significance. Last evaluated: 2016-10-20. Review status: criteria provided, single submitter. Criteria: LMM Criteria. Collection method: clinical testing. Allele origin: germline.
Comment: Variant identified in a genome or exome case(s) and assessed due to predicted null impact of the variant or pathogenic assertions in the literature or databases. Disclaimer: This variant has not undergone full assessment. The following are preliminary notes: LOF not an established disease mechanism for this gene. See NGA